The following is an entry in ClinVar:

ClinVar aggregate classification (germline): Conflicting classifications of pathogenicity. Review status: criteria provided, conflicting classifications (1 of 4 stars). 4 submissions from 4 submitters: Uncertain significance (1); Likely benign (3). Last evaluated 2025-06-30.

Conditions:
Cardiovascular phenotype. Identifiers: MedGen CN230736.
DiGeorge syndrome. Also called: THIRD AND FOURTH PHARYNGEAL POUCH SYNDROME; Catch22. Identifiers: Orphanet 567, MedGen C0012236, MONDO:0008564, OMIM 188400.

Allele frequency attached by ClinVar (database versions not stated): TOPMed 0.00001.
gnomAD v4.1: 30 of 1,077,214 alleles (0.0028%); highest among the groups gnomAD compares: Non-Finnish European, 0.0034%; no homozygotes.

Submissions (4):

Ambry Genetics
Classification: Likely benign for Cardiovascular phenotype. Last evaluated: 2025-06-30. Review status: criteria provided, single submitter. Criteria: Ambry Variant Classification Scheme 2023. Collection method: clinical testing. Allele origin: germline.

Labcorp Genetics (formerly Invitae), Labcorp
Classification: Likely benign for DiGeorge syndrome. Last evaluated: 2025-06-12. Review status: criteria provided, single submitter. Criteria: Invitae Variant Classification Sherloc (09022015). Collection method: clinical testing. Allele origin: germline.

Blueprint Genetics
Classification: Likely benign. Last evaluated: 2024-05-13. Review status: criteria provided, single submitter. Criteria: ACMG Guidelines, 2015. Collection method: clinical testing. Allele origin: germline.

GeneDx
Classification: Uncertain significance. Last evaluated: 2021-12-27. Review status: criteria provided, single submitter. Criteria: GeneDx Variant Classification Process June 2021. Collection method: clinical testing. Allele origin: germline. Affected: yes.
Comment: Not observed at significant frequency in large population cohorts (gnomAD); In silico analysis supports that this variant does not alter splicing; Has not been previously published as pathogenic or benign to our knowledge

NM_001379200.1(TBX1):c.246G>T (p.Ala82=)

Gene: TBX1 (T-box transcription factor 1; plus strand). Cytogenetic location: 22q11.21.
Variant type: single nucleotide variant.
Coding change: c.246G>T on transcript NM_001379200.1 (MANE Select); coding-DNA position 246, G replaced by T.
Protein change: p.Ala82=; no amino-acid change (alanine 82 retained).
Molecular consequence: synonymous variant.
Genome position (GRCh38, 1-based): chr22:19,761,089, G>T. VCF-style: chr22-19761089-G-T. GRCh37 (hg19) VCF-style: chr22-19748612-G-T.
Other names: c.219G>T, p.Ala73= (NM_005992.1, NM_080646.2, NM_080647.1).
Identifiers: ClinVar variation 1578008 (VCV001578008.12), dbSNP rs1201666534, ClinGen allele CA513687883.
Genomic context (GRCh38, chr22:19,761,089, plus strand): 5'-CGCCGCCGCCGCCCCCGGCGCCCCGGGCCCGCCGCCGCCGCCGCACGCCTACCCGTTTGC[G>T]CCGGCCGCCGGGGCCGCCACCAGCGCCGCCGCCGAGCCCGAGGGCCCCGGGGCCAGCTGC-3'
Protein context (NP_001366129.1, residues 72-92): PPPPPHAYPF[Ala82=]PAAGAATSAA